The following is an entry in ClinVar:

ClinVar aggregate classification (germline): Likely pathogenic (1 of 4 stars; one submission).

Conditions:
Ciliary dyskinesia, primary, 37 (CILD37). Also called: CILIARY DYSKINESIA, PRIMARY, 37, WITH OR WITHOUT SITUS INVERSUS. Identifiers: MedGen C4539798, MONDO:0033204, OMIM 617577.
Spermatogenic failure 18. Identifiers: MedGen C4539783, MONDO:0054615, OMIM 617576.

Submission:

Labcorp Genetics (formerly Invitae), Labcorp
Classification: Likely pathogenic for Ciliary dyskinesia, primary, 37; Spermatogenic failure 18. Last evaluated: 2022-08-22. Review status: criteria provided, single submitter. Criteria: Invitae Variant Classification Sherloc (09022015). Collection method: clinical testing. Allele origin: germline.
Comment: This variant is not present in population databases (gnomAD no frequency). This variant has not been reported in the literature in individuals affected with DNAH1-related conditions. Algorithms developed to predict the effect of sequence changes on RNA splicing suggest that this variant may disrupt the consensus splice site. In summary, the currently available evidence indicates that the variant is pathogenic, but additional data are needed to prove that conclusively. Therefore, this variant has been classified as Likely Pathogenic. This sequence change affects a donor splice site in intron 20 of the DNAH1 gene. It is expected to disrupt RNA splicing. Variants that disrupt the donor or acceptor splice site typically lead to a loss of protein function (PMID: 16199547), and loss-of-function variants in DNAH1 are known to be pathogenic (PMID: 27573432, 27798045).

Literature cited by the submitters: PubMed 16199547; PubMed 27573432; PubMed 27798045.

NM_015512.5(DNAH1):c.3480+1G>C

Gene: DNAH1 (dynein axonemal heavy chain 1; plus strand). Cytogenetic location: 3p21.1.
Variant type: single nucleotide variant.
Coding change: c.3480+1G>C on transcript NM_015512.5 (MANE Select); the canonical splice donor site of the intron after coding-DNA position 3480, G replaced by C.
Molecular consequence: splice donor variant.
Genome position (GRCh38, 1-based): chr3:52,353,634, G>C. VCF-style: chr3-52353634-G-C. GRCh37 (hg19) VCF-style: chr3-52387650-G-C.
Identifiers: ClinVar variation 1973856 (VCV001973856.5), dbSNP rs2153224076, ClinGen allele CA353115512.
Genomic context (GRCh38, chr3:52,353,634, plus strand): 5'-CATATCGAGAGCATCAGCAAGGTGGCTGAGGTGGCTGGCAAGGAGTACGCCATCGAGCAG[G>C]TGGGTAGCCACCAGCGGGCCCAGCCACTCCAGCCAGGCCCTGCCGGACAGCCTGACCTCC-3'